The following is an entry in ClinVar:

ClinVar aggregate classification (germline): Uncertain significance. Review status: criteria provided, multiple submitters, no conflicts (2 of 4 stars). 2 submissions from 2 submitters: Uncertain significance (2). Last evaluated 2025-10-04.

Conditions:
Neutropenia, severe congenital, 2, autosomal dominant. Identifiers: Orphanet 486, MedGen C2751288, MONDO:0013139, OMIM 613107.

Allele frequency attached by ClinVar (database versions not stated): TOPMed below 0.00001; 1000 Genomes Project 0.00020; 1000 Genomes Project 30x 0.00031.
gnomAD v4.1: 7 of 1,610,236 alleles (0.00043%); highest among the groups gnomAD compares: Admixed American, 0.0017%; no homozygotes.

Submissions (2):

Labcorp Genetics (formerly Invitae), Labcorp
Classification: Uncertain significance for Neutropenia, severe congenital, 2, autosomal dominant. Last evaluated: 2025-10-04. Review status: criteria provided, single submitter. Criteria: Invitae Variant Classification Sherloc (09022015). Collection method: clinical testing. Allele origin: germline.
Comment: This sequence change replaces proline, which is neutral and non-polar, with leucine, which is neutral and non-polar, at codon 57 of the GFI1 protein (p.Pro57Leu). This variant is not present in population databases (gnomAD no frequency). This variant has not been reported in the literature in individuals affected with GFI1-related conditions. ClinVar contains an entry for this variant (Variation ID: 1979013). Invitae Evidence Modeling of protein sequence and biophysical properties (such as structural, functional, and spatial information, amino acid conservation, physicochemical variation, residue mobility, and thermodynamic stability) indicates that this missense variant is not expected to disrupt GFI1 protein function with a negative predictive value of 80%. In summary, the available evidence is currently insufficient to determine the role of this variant in disease. Therefore, it has been classified as a Variant of Uncertain Significance.

Ambry Genetics
Classification: Uncertain significance. Last evaluated: 2025-05-08. Review status: criteria provided, single submitter. Criteria: Ambry Variant Classification Scheme 2023. Collection method: clinical testing. Allele origin: germline.
Comment: The p.P57L variant (also known as c.170C>T), located in coding exon 2 of the GFI1 gene, results from a C to T substitution at nucleotide position 170. The proline at codon 57 is replaced by leucine, an amino acid with similar properties. This amino acid position is conserved. In addition, this alteration is predicted to be tolerated by in silico analysis. Based on the available evidence, the clinical significance of this variant remains unclear.

NM_005263.5(GFI1):c.170C>T (p.Pro57Leu)

Gene: GFI1 (growth factor independent 1 transcriptional repressor; minus strand). Cytogenetic location: 1p22.1.
Variant type: single nucleotide variant.
Coding change: c.170C>T on transcript NM_005263.5 (MANE Select); coding-DNA position 170, C replaced by T.
Protein change: p.Pro57Leu; replaces proline 57 with leucine.
Molecular consequence: missense variant.
Genome position (GRCh38, 1-based): chr1:92,482,992, G>A on the plus strand (C>T on the coding strand, the complement: GFI1 is on the minus strand). VCF-style: chr1-92482992-G-A. GRCh37 (hg19) VCF-style: chr1-92948549-G-A.
Other names: c.170C>T, p.Pro57Leu (NM_001127215.3, NM_001127216.3); short protein forms P57L.
Identifiers: ClinVar variation 1979013 (VCV001979013.5), dbSNP rs567948686, ClinGen allele CA27090583.